The following is an entry in ClinVar:

NM_053025.4(MYLK):c.472del (p.Glu158fs)

Gene: MYLK (myosin light chain kinase; minus strand). Cytogenetic location: 3q21.1.
Variant type: Deletion.
Coding change: c.472del on transcript NM_053025.4 (MANE Select); coding-DNA position 472, one base deleted (G; older notation c.472delG).
Protein change: p.Glu158fs; shifts the reading frame from glutamic acid 158.
Molecular consequence: frameshift variant. On other transcripts: 5 prime UTR variant (1).
Genome position (GRCh38, 1-based): chr3:123,739,013, C deleted on the plus strand (G on the coding strand, the reverse complement: MYLK is on the minus strand); the first of 6 consecutive C bases (chr3:123,739,013-123,739,018); deleting any one gives the same sequence. VCF-style (leftmost placement, unchanged base first): chr3-123739012-TC-T. GRCh37 (hg19) VCF-style: chr3-123457859-TC-T.
Other names: c.-57del (NM_001321309.2); c.472del, p.Glu158fs (NM_053026.4, NM_053027.4, NM_053028.4); c.472delG (NM_053025.4); short protein forms E158fs.
Identifiers: ClinVar variation 1690978 (VCV001690978.7), dbSNP rs770373926, ClinGen allele CA072259.
Genomic context (GRCh38, chr3:123,739,012, plus strand): 5'-CCCATCTGTCCTTCTTTGACCACAACTCGGCCCAGCTTGGTAGCAAACTTTGGTGGGCAC[TC>T]CCCCCAGATGCTAGGACGGGTCTCCACTGCTGGAGCTGAAAATCTATCCCTGTAAGGAAA-3'

ClinVar aggregate classification (germline): Conflicting classifications of pathogenicity. Review status: criteria provided, conflicting classifications (1 of 4 stars). 2 submissions from 2 submitters: Likely pathogenic (1); Uncertain significance (1). Last evaluated 2023-06-27.

Conditions:
Aortic aneurysm, familial thoracic 7 (AAT7). Also called: AORTIC DISSECTION, FAMILIAL, WITH OR WITHOUT AORTIC ANEURYSM. Identifiers: MedGen C3151077, MONDO:0013418, OMIM 613780.

Submissions (2):

Labcorp Genetics (formerly Invitae), Labcorp
Classification: Uncertain significance for Aortic aneurysm, familial thoracic 7. Last evaluated: 2023-06-27. Review status: criteria provided, single submitter. Criteria: Invitae Variant Classification Sherloc (09022015). Collection method: clinical testing. Allele origin: germline.
Comment: In summary, the available evidence is currently insufficient to determine the role of this variant in disease. Therefore, it has been classified as a Variant of Uncertain Significance. ClinVar contains an entry for this variant (Variation ID: 1690978). This variant has not been reported in the literature in individuals affected with MYLK-related conditions. The frequency data for this variant in the population databases is considered unreliable, as metrics indicate poor data quality at this position in the gnomAD database. This sequence change creates a premature translational stop signal (p.Glu158Serfs*79) in the MYLK gene. This variant occurs in the long isoform of MYLK (PMID: 21055718). The current clinical and genetic evidence is not sufficient to establish whether loss-of-function variants in the long isoform of MYLK cause disease.

Laboratorio de Genetica e Diagnostico Molecular, Hospital Israelita Albert Einstein
Classification: Likely pathogenic. Last evaluated: 2020-11-12. Review status: criteria provided, single submitter. Criteria: ACMG Guidelines, 2015. Collection method: clinical testing. Allele origin: germline. Affected: yes.
Comment: ACMG classification criteria: PVS1, PM2

Literature cited by the submitters: PubMed 21055718 (cited by Labcorp Genetics (formerly Invitae), Labcorp).